The following is an entry in ClinVar:

NM_007289.4(MME):c.154T>G (p.Tyr52Asp)

Gene: MME (membrane metalloendopeptidase; plus strand). Cytogenetic location: 3q25.2.
Variant type: single nucleotide variant.
Coding change: c.154T>G on transcript NM_007289.4 (MANE Select); coding-DNA position 154, T replaced by G.
Protein change: p.Tyr52Asp; replaces tyrosine 52 with aspartic acid.
Molecular consequence: missense variant.
Genome position (GRCh38, 1-based): chr3:155,084,321, T>G. VCF-style: chr3-155084321-T-G. GRCh37 (hg19) VCF-style: chr3-154802110-T-G.
Other names: c.154T>G, p.Tyr52Asp (NM_000902.5, NM_001354642.2, NM_001354643.1 and 3 more transcripts); short protein forms Y52D.
Identifiers: ClinVar variation 2130167 (VCV002130167.4), dbSNP rs2473093501, ClinGen allele CA355128849.
Genomic context (GRCh38, chr3:155,084,321, plus strand): 5'-TCGGTCCTTGTCCTGCTCCTCACCATCATAGCTGTGACAATGATCGCACTCTATGCAACC[T>G]ACGATGGTGAGTTACTCCCACACCTGTGCATCCATAAGTGCAAAAGAGAAGGAAATCTTC-3'
Protein context (NP_009220.2, residues 42-62): AVTMIALYAT[Tyr52Asp]DDGICKSSDC

ClinVar aggregate classification (germline): Uncertain significance (1 of 4 stars; one submission).

Allele frequency attached by ClinVar (database versions not stated): gnomAD exomes below 0.00001.
gnomAD v4.1: 1 of 1,614,150 alleles (0.000062%); highest among the groups gnomAD compares: Non-Finnish European, 0.000085%; no homozygotes.

Submission:

Labcorp Genetics (formerly Invitae), Labcorp
Classification: Uncertain significance. Last evaluated: 2022-04-24. Review status: criteria provided, single submitter. Criteria: Invitae Variant Classification Sherloc (09022015). Collection method: clinical testing. Allele origin: germline.
Comment: In summary, the available evidence is currently insufficient to determine the role of this variant in disease. Therefore, it has been classified as a Variant of Uncertain Significance. This sequence change replaces tyrosine, which is neutral and polar, with aspartic acid, which is acidic and polar, at codon 52 of the MME protein (p.Tyr52Asp). Algorithms developed to predict the effect of missense changes on protein structure and function are either unavailable or do not agree on the potential impact of this missense change (SIFT: "Tolerated"; PolyPhen-2: "Possibly Damaging"; Align-GVGD: "Class C0"). This variant has not been reported in the literature in individuals affected with MME-related conditions. This variant is not present in population databases (gnomAD no frequency).